The following is an entry in ClinVar:

NM_004260.4(RECQL4):c.2513A>G (p.Asp838Gly)

Gene: RECQL4 (RecQ like helicase 4; minus strand). Cytogenetic location: 8q24.3.
Variant type: single nucleotide variant.
Coding change: c.2513A>G on transcript NM_004260.4 (MANE Select); coding-DNA position 2513, A replaced by G.
Protein change: p.Asp838Gly; replaces aspartic acid 838 with glycine.
Molecular consequence: missense variant.
Genome position (GRCh38, 1-based): chr8:144,513,089, T>C on the plus strand (A>G on the coding strand, the complement: RECQL4 is on the minus strand). VCF-style: chr8-144513089-T-C. GRCh37 (hg19) VCF-style: chr8-145738472-T-C.
Other names: short protein forms D838G.
Identifiers: ClinVar variation 849594 (VCV000849594.5), dbSNP rs1317677692, ClinGen allele CA372677277.
Genomic context (GRCh38, chr8:144,513,089, plus strand): 5'-GTGCAGGTGCAGGTGCAGGCTGGGAACACGCGCTGTACCAGCCTCTTCACAGCCAGGAAG[T>C]CCGTGCTGTCGGCGTGCACATGTCTGCGCAGCTCTCGCAGGTCTTCGCCCTGCAGGGCAA-3'
Protein context (NP_004251.4, residues 828-848): LRRHVHADST[Asp838Gly]FLAVKRLVQR

ClinVar aggregate classification (germline): Uncertain significance (1 of 4 stars; one submission).

Conditions:
Baller-Gerold syndrome (BGS). Also called: CRANIOSYNOSTOSIS WITH RADIAL DEFECTS. Identifiers: Orphanet 1225, MedGen C0265308, MONDO:0009039, OMIM 218600.

Submission:

Labcorp Genetics (formerly Invitae), Labcorp
Classification: Uncertain significance for Baller-Gerold syndrome. Last evaluated: 2024-11-04. Review status: criteria provided, single submitter. Criteria: Invitae Variant Classification Sherloc (09022015). Collection method: clinical testing. Allele origin: germline.
Comment: This sequence change replaces aspartic acid, which is acidic and polar, with glycine, which is neutral and non-polar, at codon 838 of the RECQL4 protein (p.Asp838Gly). This variant is not present in population databases (gnomAD no frequency). This variant has not been reported in the literature in individuals affected with RECQL4-related conditions. ClinVar contains an entry for this variant (Variation ID: 849594). Invitae Evidence Modeling of protein sequence and biophysical properties (such as structural, functional, and spatial information, amino acid conservation, physicochemical variation, residue mobility, and thermodynamic stability) indicates that this missense variant is expected to disrupt RECQL4 protein function with a positive predictive value of 80%. In summary, the available evidence is currently insufficient to determine the role of this variant in disease. Therefore, it has been classified as a Variant of Uncertain Significance.